The following is an entry in ClinVar:

ClinVar aggregate classification (germline): Pathogenic (1 of 4 stars; one submission).

Submission:

GeneDx
Classification: Pathogenic. Last evaluated: 2017-02-27. Review status: criteria provided, single submitter. Criteria: GeneDx Variant Classification (06012015). Collection method: clinical testing. Allele origin: germline. Affected: yes.
Comment: The c.5589-1G>A variant in the MED13L gene has not been reported previously as a pathogenic variant nor as a benign variant, to our knowledge. This splice site variant destroys the canonical splice donor site in intron 24. It is predicted to cause abnormal gene splicing, either leading to an abnormal message that is subject to nonsense-mediated mRNA decay, or to an abnormal protein product if the message is used for protein translation. The c.5589-1G>A variant is not observed in large population cohorts (Lek et al., 2016; 1000 Genomes Consortium et al., 2015; Exome Variant Server). We interpret c.5589-1G>A as a pathogenic variant.

NM_015335.5(MED13L):c.5589-1G>A

Gene: MED13L (mediator complex subunit 13L; minus strand). Cytogenetic location: 12q24.21.
Variant type: single nucleotide variant.
Coding change: c.5589-1G>A on transcript NM_015335.5 (MANE Select); the canonical splice acceptor site of the intron before coding-DNA position 5589, G replaced by A.
Molecular consequence: splice acceptor variant.
Genome position (GRCh38, 1-based): chr12:115,975,314, C>T on the plus strand (G>A on the coding strand, the complement: MED13L is on the minus strand). VCF-style: chr12-115975314-C-T. GRCh37 (hg19) VCF-style: chr12-116413119-C-T.
Identifiers: ClinVar variation 423638 (VCV000423638.2), dbSNP rs1064796543, ClinGen allele CA16619439.